The following is an entry in ClinVar:

ClinVar aggregate classification (germline): Pathogenic (1 of 4 stars; one submission).

Submission:

GeneDx
Classification: Pathogenic. Last evaluated: 2025-04-28. Review status: criteria provided, single submitter. Criteria: GeneDx Variant Classification Process June 2021. Collection method: clinical testing. Allele origin: germline. Affected: yes.
Comment: Reported in a patient with Dravet syndrome in published literature (PMID: 25459968); Not observed at significant frequency in large population cohorts (gnomAD); In silico analysis supports that this missense variant has a deleterious effect on protein structure/function; This substitution is predicted to be within the transmembrane segment S5 of the third homologous domain; This variant is associated with the following publications: (PMID: 25459968)

NM_001165963.4(SCN1A):c.4061G>A (p.Cys1354Tyr)

Genes: SCN1A (sodium voltage-gated channel alpha subunit 1; minus strand), LOC102724058 (uncharacterized LOC102724058; plus strand). Cytogenetic location: 2q24.3.
Variant type: single nucleotide variant.
Coding change: c.4061G>A on transcript NM_001165963.4 (MANE Select); coding-DNA position 4061, G replaced by A.
Protein change: p.Cys1354Tyr; replaces cysteine 1354 with tyrosine.
Molecular consequence: missense variant. On other transcripts: non-coding transcript variant (1).
Genome position (GRCh38, 1-based): chr2:166,002,695, C>T on the plus strand (G>A on the coding strand, the complement: SCN1A is on the minus strand). VCF-style: chr2-166002695-C-T. GRCh37 (hg19) VCF-style: chr2-166859205-C-T.
Other names: c.3977G>A, p.Cys1326Tyr (NM_001165964.3, NM_001353957.2, NM_001353958.2); c.4061G>A, p.Cys1354Tyr (NM_001202435.3, NM_001353948.2); c.4028G>A, p.Cys1343Tyr (NM_001353949.2, NM_001353950.2, NM_001353951.2 and 2 more transcripts); c.4025G>A, p.Cys1342Tyr (NM_001353954.2, NM_001353955.2); c.3974G>A, p.Cys1325Tyr (NM_001353960.2); c.1619G>A, p.Cys540Tyr (NM_001353961.2); short protein forms C1325Y, C1326Y, C1342Y, C1343Y, C1354Y, C540Y.
Identifiers: ClinVar variation 4528262 (VCV004528262.1).